The following is an entry in ClinVar:

NM_000322.5(PRPH2):c.359_362del (p.Phe120fs)

Gene: PRPH2 (peripherin 2; minus strand). Cytogenetic location: 6p21.1.
Variant type: Deletion.
Coding change: c.359_362del on transcript NM_000322.5 (MANE Select); coding-DNA positions 359 to 362, 4 bases deleted (TTCT; older notation c.359_362delTTCT).
Protein change: p.Phe120fs; shifts the reading frame from phenylalanine 120.
Molecular consequence: frameshift variant.
Genome position (GRCh38, 1-based): chr6:42,721,973-42,721,976, AGAA deleted on the plus strand (TTCT on the coding strand, the reverse complement: PRPH2 is on the minus strand); deleting any 4 consecutive bases within chr6:42,721,973-42,721,978 gives the same sequence; the c. name uses the placement nearest the transcript's 3' end. VCF-style (leftmost placement, unchanged base first): chr6-42721972-CAGAA-C. GRCh37 (hg19) VCF-style: chr6-42689710-CAGAA-C.
Other names: short protein forms F120fs.
Identifiers: ClinVar variation 3248670 (VCV003248670.2).

ClinVar aggregate classification (germline): Pathogenic. Review status: criteria provided, single submitter (1 of 4 stars). 2 submissions from 2 submitters: Pathogenic (1). 1 of the submissions does not count toward it. Last evaluated 2025-04-04.

Conditions:
Retinal dystrophy. Also called: Inherited retinal dystrophy. Identifiers: Orphanet 71862, MedGen C0854723, MeSH D058499, MONDO:0019118, HP:0000556.

Submissions (2):

Centre of Medical Genetics, University Hospital Muenster
Classification: Pathogenic. Last evaluated: 2025-04-04. Review status: criteria provided, single submitter. Criteria: ACMG Guidelines, 2015. Collection method: clinical testing. Allele origin: unknown. Affected: yes. Observed: 1 variant allele, 1 heterozygote.
Comment: ACMG categories: PVS1,PM2,PP4

Institute of Human Genetics, Univ. Regensburg, Univ. Regensburg
Classification: Pathogenic for Retinal dystrophy. Last evaluated: 2018-01-01. Review status: no assertion criteria provided. Criteria: ACMG Guidelines, 2015. Collection method: clinical testing. Allele origin: germline. Affected: yes. Not counted in ClinVar's aggregate classification.